The following is an entry in ClinVar:

NM_001364905.1(LRBA):c.7827C>G (p.Phe2609Leu)

Gene: LRBA (LPS responsive beige-like anchor protein; minus strand). Cytogenetic location: 4q31.3.
Variant type: single nucleotide variant.
Coding change: c.7827C>G on transcript NM_001364905.1 (MANE Select); coding-DNA position 7827, C replaced by G.
Protein change: p.Phe2609Leu; replaces phenylalanine 2609 with leucine.
Molecular consequence: missense variant.
Genome position (GRCh38, 1-based): chr4:150,310,251, G>C on the plus strand (C>G on the coding strand, the complement: LRBA is on the minus strand). VCF-style: chr4-150310251-G-C. GRCh37 (hg19) VCF-style: chr4-151231403-G-C.
Other names: c.7827C>G, p.Phe2609Leu (NM_001199282.3); c.7842C>G, p.Phe2614Leu (NM_001367550.1); c.7860C>G, p.Phe2620Leu (NM_006726.5); short protein forms F2614L, F2609L, F2620L.
Identifiers: ClinVar variation 2047733 (VCV002047733.4), dbSNP rs2545834279, ClinGen allele CA358599463.
Genomic context (GRCh38, chr4:150,310,251, plus strand): 5'-GTAAACTTTAGTTCACTGATAAAGAAAATGAAAATTACCTGTGTCTGTAGAATAGACTCT[G>C]AAACTTTTATCCCAGAAGCCACAGACGAGAATATAGCGGTTGTCTGAAGTGATGACAAAG-3'
Protein context (NP_001351834.1, residues 2599-2619): ILVCGFWDKS[Phe2609Leu]RVYSTDTGRL

ClinVar aggregate classification (germline): Uncertain significance (1 of 4 stars; one submission).

Conditions:
Combined immunodeficiency due to LRBA deficiency. Also called: Common variable immunodeficiency 8, with autoimmunity. Identifiers: Orphanet 445018, MedGen C3553512, MONDO:0013863, OMIM 614700.

Allele frequency attached by ClinVar (database versions not stated): gnomAD exomes below 0.00001.
gnomAD v4.1: 1 of 1,612,202 alleles (0.000062%); highest among the groups gnomAD compares: Non-Finnish European, 0.000085%; no homozygotes.

Submission:

Labcorp Genetics (formerly Invitae), Labcorp
Classification: Uncertain significance for Combined immunodeficiency due to LRBA deficiency. Last evaluated: 2022-01-10. Review status: criteria provided, single submitter. Criteria: Invitae Variant Classification Sherloc (09022015). Collection method: clinical testing. Allele origin: germline.
Comment: This sequence change replaces phenylalanine, which is neutral and non-polar, with leucine, which is neutral and non-polar, at codon 2620 of the LRBA protein (p.Phe2620Leu). In summary, the available evidence is currently insufficient to determine the role of this variant in disease. Therefore, it has been classified as a Variant of Uncertain Significance. Algorithms developed to predict the effect of missense changes on protein structure and function are either unavailable or do not agree on the potential impact of this missense change (SIFT: "Tolerated"; PolyPhen-2: "Probably Damaging"; Align-GVGD: "Class C0"). This variant has not been reported in the literature in individuals affected with LRBA-related conditions. This variant is not present in population databases (gnomAD no frequency).